The following is an entry in ClinVar:

NM_153717.3(EVC):c.1668C>T (p.Tyr556=)

Gene: EVC (EvC ciliary complex subunit 1; plus strand). Cytogenetic location: 4p16.2.
Variant type: single nucleotide variant.
Coding change: c.1668C>T on transcript NM_153717.3 (MANE Select); coding-DNA position 1668, C replaced by T.
Protein change: p.Tyr556=; no amino-acid change (tyrosine 556 retained).
Molecular consequence: synonymous variant.
Genome position (GRCh38, 1-based): chr4:5,783,656, C>T. VCF-style: chr4-5783656-C-T. GRCh37 (hg19) VCF-style: chr4-5785383-C-T.
Other names: c.1668C>T, p.Tyr556= (NM_001306090.2).
Identifiers: ClinVar variation 4966264 (VCV004966264.2).

ClinVar aggregate classification (germline): Likely benign. Review status: criteria provided, multiple submitters, no conflicts (2 of 4 stars). 2 submissions from 2 submitters: Likely benign (2). Last evaluated 2026-08-01.

gnomAD v4.1: 1 of 1,614,162 alleles (0.000062%); highest among the groups gnomAD compares: Non-Finnish European, 0.000085%; no homozygotes.

Submissions (2):

CeGaT Center for Human Genetics Tuebingen
Classification: Likely benign. Last evaluated: 2026-08-01. Review status: criteria provided, single submitter. Criteria: CeGaT Center For Human Genetics Tuebingen Variant Classification Criteria Version 2. Collection method: clinical testing. Allele origin: germline. Affected: yes. Observed: 1 variant allele.
Comment: EVC: BP4, BP7

Blueprint Genetics
Classification: Likely benign. Last evaluated: 2023-07-05. Review status: criteria provided, single submitter. Criteria: ACMG Guidelines, 2015. Collection method: clinical testing. Allele origin: germline.